The following is an entry in ClinVar:

ClinVar aggregate classification (germline): Likely benign (1 of 4 stars; one submission).

Submission:

CeGaT Center for Human Genetics Tuebingen
Classification: Likely benign. Last evaluated: 2022-11-01. Review status: criteria provided, single submitter. Criteria: CeGaT Center For Human Genetics Tuebingen Variant Classification Criteria Version 2. Collection method: clinical testing. Allele origin: germline. Affected: yes. Observed: 1 variant allele.
Comment: MUC20: PM2:Supporting, BP4, BP7

NM_001282506.2(MUC20):c.615C>T (p.Val205=)

Gene: MUC20 (mucin 20, cell surface associated). Cytogenetic location: 3q29.
Variant type: single nucleotide variant.
Coding change: c.615C>T on transcript NM_001282506.2 (MANE Select); coding-DNA position 615, C replaced by T.
Protein change: p.Val205=; no amino-acid change (valine 205 retained).
Molecular consequence: synonymous variant.
Genome position (GRCh38, 1-based): chr3:195,725,218, C>T. VCF-style: chr3-195725218-C-T. GRCh37 (hg19) VCF-style: chr3-195452089-C-T.
Other names: c.615C>T, p.Val205= (NM_152673.3).
Identifiers: ClinVar variation 2654367 (VCV002654367.24), dbSNP rs2473988626, ClinGen allele CA438033087.